The following is an entry in ClinVar:

ClinVar aggregate classification (germline): Likely benign (1 of 4 stars; one submission).

gnomAD v4.1: 1,744 of 398,620 alleles (0.44%); highest among the groups gnomAD compares: Non-Finnish European, 0.62%; 5 homozygotes.

Submission:

CeGaT Center for Human Genetics Tuebingen
Classification: Likely benign. Last evaluated: 2026-05-01. Review status: criteria provided, single submitter. Criteria: CeGaT Center For Human Genetics Tuebingen Variant Classification Criteria Version 2. Collection method: clinical testing. Allele origin: germline. Affected: yes. Observed: 11 variant alleles.
Comment: CPHXL: BP4, BP7, BS2

NM_001355613.1(CPHXL):c.534A>G (p.Lys178=)

Gene: CPHXL (cytoplasmic polyadenylated homeobox like; minus strand). Cytogenetic location: 16q23.1.
Variant type: single nucleotide variant.
Coding change: c.534A>G on transcript NM_001355613.1 (MANE Select); coding-DNA position 534, A replaced by G.
Protein change: p.Lys178=; no amino-acid change (lysine 178 retained).
Molecular consequence: synonymous variant.
Genome position (GRCh38, 1-based): chr16:75,714,908, T>C on the plus strand (A>G on the coding strand, the complement: CPHXL is on the minus strand). VCF-style: chr16-75714908-T-C. GRCh37 (hg19) VCF-style: chr16-75748806-T-C.
Identifiers: ClinVar variation 3388914 (VCV003388914.14).